The following is an entry in ClinVar:

NM_001127511.3(APC):c.166-28736C>G

Gene: APC (APC regulator of Wnt signaling pathway; plus strand). Cytogenetic location: 5q22.2.
Variant type: single nucleotide variant.
Coding change: c.166-28736C>G on transcript NM_001127511.3; 28736 bases into the intron before coding-DNA position 166, C replaced by G.
Molecular consequence: intron variant.
Genome position (GRCh38, 1-based): chr5:112,737,590, C>G. VCF-style: chr5-112737590-C-G. GRCh37 (hg19) VCF-style: chr5-112073287-C-G.
Other names: c.-1053-17283C>G (NM_001407470.1, NM_001407472.1); c.-18-17283C>G (NM_001407447.1, NM_001354895.2, NM_001407456.1 and 7 more transcripts); c.166-28736C>G (NM_001407446.1, NM_001354897.2, NM_001354902.2); c.-42-28736C>G (NM_001407453.1).
Identifiers: ClinVar variation 3347989 (VCV003347989.1).

ClinVar aggregate classification (germline): Likely benign (0 of 4 stars; one submission).

Conditions:
APC-related disorder. Also called: APC-related condition.

Submission:

PreventionGenetics, part of Exact Sciences
Classification: Likely benign for APC-related condition. Last evaluated: 2024-03-06. Review status: no assertion criteria provided. Collection method: clinical testing. Allele origin: germline.
Comment: This variant is classified as likely benign based on ACMG/AMP sequence variant interpretation guidelines (Richards et al. 2015 PMID: 25741868, with internal and published modifications).